The following is an entry in ClinVar:

NM_000075.4(CDK4):c.651C>T (p.Asn217=)

Genes: TSPAN31 (tetraspanin 31; plus strand), CDK4 (cyclin dependent kinase 4; minus strand). Cytogenetic location: 12q14.1.
Variant type: single nucleotide variant.
Coding change: c.651C>T on transcript NM_000075.4 (MANE Select); coding-DNA position 651, C replaced by T.
Protein change: p.Asn217=; no amino-acid change (asparagine 217 retained).
Molecular consequence: synonymous variant. On other transcripts: 3 prime UTR variant (3).
Genome position (GRCh38, 1-based): chr12:57,749,486, G>A on the plus strand (C>T on the coding strand, the complement: CDK4 is on the minus strand). VCF-style: chr12-57749486-G-A. GRCh37 (hg19) VCF-style: chr12-58143269-G-A.
Other names: c.*2196G>A (NM_001330168.2, NM_001330169.2, NM_005981.5).
Identifiers: ClinVar variation 231956 (VCV000231956.15), dbSNP rs876659462, ClinGen allele CA10579436.

ClinVar aggregate classification (germline): Benign/Likely benign. Review status: criteria provided, multiple submitters, no conflicts (2 of 4 stars). 5 submissions from 5 submitters: Benign (1); Likely benign (4). Last evaluated 2025-09-19.

Conditions:
Melanoma, cutaneous malignant, susceptibility to, 3. Also called: Cutaneous malignant melanoma 3. Identifiers: Orphanet 618, MedGen C1836892, MONDO:0012183, OMIM 609048.
Familial melanoma. Also called: Hereditary melanoma; Hereditary cutaneous melanoma. Identifiers: Orphanet 618, MedGen C1512419, MONDO:0018961.
Hereditary cancer-predisposing syndrome. Also called: Neoplastic Syndromes, Hereditary; Tumor predisposition; Hereditary Cancer Syndrome; Hereditary neoplastic syndrome. Identifiers: Orphanet 140162, MedGen C0027672, MeSH D009386, MONDO:0015356.

Submissions (5):

Labcorp Genetics (formerly Invitae), Labcorp
Classification: Likely benign for Familial melanoma. Last evaluated: 2025-09-19. Review status: criteria provided, single submitter. Criteria: Invitae Variant Classification Sherloc (09022015). Collection method: clinical testing. Allele origin: germline.

Myriad Genetics, Inc.
Classification: Benign for Melanoma, cutaneous malignant, susceptibility to, 3. Last evaluated: 2024-09-26. Review status: criteria provided, single submitter. Criteria: Myriad Autosomal Dominant, Autosomal Recessive and X-Linked Classification Criteria (2023). Collection method: clinical testing. Allele origin: unknown.
Comment: This variant is considered benign. This variant is a silent/synonymous amino acid change and it is not expected to impact splicing.

Sema4
Classification: Likely benign for Hereditary cancer-predisposing syndrome. Last evaluated: 2021-06-02. Review status: criteria provided, single submitter. Criteria: Sema4 Curation Guidelines. Collection method: curation. Allele origin: germline.

GeneDx
Classification: Likely benign. Last evaluated: 2016-09-26. Review status: criteria provided, single submitter. Criteria: GeneDx Variant Classification (06012015). Collection method: clinical testing. Allele origin: germline. Affected: yes.
Comment: This variant is considered likely benign or benign based on one or more of the following criteria: it is a conservative change, it occurs at a poorly conserved position in the protein, it is predicted to be benign by multiple in silico algorithms, and/or has population frequency not consistent with disease.

Ambry Genetics
Classification: Likely benign for Hereditary cancer-predisposing syndrome. Last evaluated: 2015-05-26. Review status: criteria provided, single submitter. Criteria: Ambry Variant Classification Scheme 2023. Collection method: clinical testing. Allele origin: germline.